The following is an entry in ClinVar:

NM_030928.4(CDT1):c.1338del (p.Gln446fs)

Gene: CDT1 (chromatin licensing and DNA replication factor 1; plus strand). Cytogenetic location: 16q24.3.
Variant type: Deletion.
Coding change: c.1338del on transcript NM_030928.4 (MANE Select); coding-DNA position 1338, one base deleted (G; older notation c.1338delG).
Protein change: p.Gln446fs; shifts the reading frame from glutamine 446.
Molecular consequence: frameshift variant.
Genome position (GRCh38, 1-based): chr16:88,807,343, G deleted. VCF-style (leftmost placement, unchanged base first): chr16-88807342-AG-A. GRCh37 (hg19) VCF-style: chr16-88873750-AG-A.
Other names: short protein forms Q446fs.
Identifiers: ClinVar variation 2019767 (VCV002019767.4), dbSNP rs2508213890, ClinGen allele CA2580092426.
Genomic context (GRCh38, chr16:88,807,342, plus strand): 5'-TCCGAGCCAAGGAGGCACAGAAGCAGCTGGCACAGATGACGCGGTGCCCGGAGCAGGAGC[AG>A]CGGCTGCAGCGCTTAGAACGGCTGCCTGAGCTGGCCCGCGTGCTGCGGAGCGTCTTTGTG-3'

ClinVar aggregate classification (germline): Pathogenic (1 of 4 stars; one submission).

Submission:

Labcorp Genetics (formerly Invitae), Labcorp
Classification: Pathogenic. Last evaluated: 2022-07-26. Review status: criteria provided, single submitter. Criteria: Invitae Variant Classification Sherloc (09022015). Collection method: clinical testing. Allele origin: germline.
Comment: This sequence change creates a premature translational stop signal (p.Gln446Hisfs*6) in the CDT1 gene. It is expected to result in an absent or disrupted protein product. Loss-of-function variants in CDT1 are known to be pathogenic (PMID: 21358632, 22333897). This variant is not present in population databases (gnomAD no frequency). This variant has not been reported in the literature in individuals affected with CDT1-related conditions. For these reasons, this variant has been classified as Pathogenic.

Literature cited by the submitters: PubMed 21358632; PubMed 22333897.